The following is an entry in ClinVar:

NM_007294.4(BRCA1):c.135-3551G>A

Gene: BRCA1 (BRCA1 DNA repair associated; minus strand). Cytogenetic location: 17q21.31.
Variant type: single nucleotide variant.
Coding change: c.135-3551G>A on transcript NM_007294.4 (MANE Select); 3551 bases into the intron before coding-DNA position 135, G replaced by A.
Molecular consequence: intron variant.
Genome position (GRCh38, 1-based): chr17:43,110,084, C>T on the plus strand (G>A on the coding strand, the complement: BRCA1 is on the minus strand). VCF-style: chr17-43110084-C-T. GRCh37 (hg19) VCF-style: chr17-41262101-C-T.
Other names: IVS 3-3551G>A; c.-7-3551G>A (NM_001408458.1, NM_001407931.1, NM_001407747.1 and 81 more transcripts); c.-219+15193G>A (NM_001407967.1); c.-169-5128G>A (NM_001407959.1, NM_001407962.1, NM_001408512.1 and 3 more transcripts); c.-54-3551G>A (NM_001407885.1, NM_001407886.1, NM_001407898.1 and 55 more transcripts); c.-8+381G>A (NM_001407746.1, NM_001408468.1, NM_001407842.1 and 14 more transcripts); c.135-3551G>A (NM_001407686.1, NM_001408397.1, NM_001407632.1 and 167 more transcripts); c.81-5128G>A (NM_001408451.1); and 6 more.
Identifiers: ClinVar variation 209505 (VCV000209505.2), dbSNP rs142024941, ClinGen allele CA276475.

ClinVar aggregate classification (germline): Benign (3 of 4 stars; one submission).

Conditions:
Breast-ovarian cancer, familial, susceptibility to, 1 (BROVCA1). Also called: BRCA1 Hereditary Breast and Ovarian Cancer; OVARIAN CANCER, SUSCEPTIBILITY TO. Identifiers: Orphanet 145, MedGen C2676676, MONDO:0011450, OMIM 604370. Disease mechanism: loss of function.

Allele frequency attached by ClinVar (database versions not stated): gnomAD 0.01055 and 0.01125; TOPMed 0.01192; 1000 Genomes Project 0.01258; 1000 Genomes Project 30x 0.01296.
gnomAD v4.1: 1,581 of 151,892 alleles (1%); highest among the groups gnomAD compares: African/African-American, 3.6%; 28 homozygotes.

Submission:

Evidence-based Network for the Interpretation of Germline Mutant Alleles (ENIGMA)
Classification: Benign for Breast-ovarian cancer, familial 1. Last evaluated: 2015-01-12. Review status: reviewed by expert panel. Criteria: ENIGMA BRCA1/2 Classification Criteria (2015). Collection method: curation. Allele origin: germline.
Comment: Class 1 not pathogenic based on frequency >1% in an outbred sampleset. Frequency 0.03049 (African), derived from 1000 genomes (2012-04-30).